The following is an entry in ClinVar:

ClinVar aggregate classification (germline): Conflicting classifications of pathogenicity. Review status: criteria provided, conflicting classifications (1 of 4 stars). 8 submissions from 8 submitters: Pathogenic (1); Likely pathogenic (5); Uncertain significance (1). 1 of the submissions does not count toward it. Last evaluated 2025-12-17.

Conditions:
Mitochondrial complex I deficiency. Also called: NADH:Q(1) OXIDOREDUCTASE DEFICIENCY. Identifiers: Orphanet 2609, MedGen C1838979, MeSH C537475, MONDO:0100133.
Mitochondrial complex I deficiency, nuclear type 16. Also called: Mitochondrial complex 1 deficiency, nuclear type 16. Identifiers: MedGen C4748785, MONDO:0032621, OMIM 618238.

Allele frequency attached by ClinVar (database versions not stated): gnomAD 0.00001; gnomAD exomes 0.00001 and 0.00002; ExAC 0.00004; 1000 Genomes Project 30x 0.00016; 1000 Genomes Project 0.00020.
gnomAD v4.1: 13 of 1,614,036 alleles (0.00081%); highest among the groups gnomAD compares: South Asian, 0.014%; no homozygotes.

Submissions (8):

Victorian Clinical Genetics Services, Murdoch Childrens Research Institute
Classification: Pathogenic for Mitochondrial complex I deficiency, nuclear type 16. Last evaluated: 2025-12-17. Review status: criteria provided, single submitter. Criteria: ACMG Guidelines, 2015. Collection method: clinical testing. Allele origin: germline. Affected: no.
Comment: This variant is classified as Pathogenic. Evidence in support of pathogenic classification: Variant is present in gnomAD <0.01 for a recessive condition (v4: 13 heterozygote(s), 0 homozygote(s)); This variant has strong previous evidence of pathogenicity in unrelated individuals. This variant has been classified as likely pathogenic by multiple clinical laboratories (ClinVar). This variant has been reported in a homozygous infant affected with mitochondrial complex I deficiency (PMID: 18940309); This variant has moderate evidence for segregation with disease. This variant has been observed to segregate with disease in an Egyptian family for homozygous individuals affected with complex I deficiency (PMID: 18940309); This variant has strong functional evidence supporting abnormal protein function. Enzyme activity assays performed on patient fibroblasts demonstrated reduced Complex I activity compared to healthy controls. Additionally, western blot analysis indicated undetectable levels of complex I in patient fibroblasts compared to controls (PMID: 18940309). Additional information: Variant is predicted to result in a missense amino acid change from Leu to Pro; This variant is heterozygous; This gene is associated with autosomal recessive disease; Variant is not located in an established domain, motif, hotspot or informative constraint region; Loss of function is a known mechanism of disease in this gene and is associated with mitochondrial complex I deficiency, nuclear type 16 (MIM#618238); Variants in this gene are known to have variable expressivity. High variability in phenotype and severity has been noted (OMIM).

Natera, Inc.
Classification: Likely pathogenic for Mitochondrial complex I deficiency. Last evaluated: 2025-07-23. Review status: criteria provided, single submitter. Criteria: Natera Variant Classification Schema (03/2026). Collection method: clinical testing. Allele origin: germline.
Comment: The c.686T>C variant in NDUFAF5 is a missense variant predicted to cause substitution of leucine to proline at amino acid 229. This variant is rare in the general population with a frequency below the threshold expected for the associated phenotype(s). This variant has been observed in one or more individuals affected with the associated recessive disease, as either homozygous or compound heterozygous with a second variant (PMID: 18940309). This variant has been identified in one or more affected individuals with a phenotype highly consistent with the associated gene (PMID: 18940309). Computational prediction algorithms indicate this variant is likely to affect gene or protein function. Given the available evidence, this variant is classified as Likely Pathogenic.

GeneDx
Classification: Uncertain significance. Last evaluated: 2025-07-11. Review status: criteria provided, single submitter. Criteria: GeneDx Variant Classification Process June 2021. Collection method: clinical testing. Allele origin: germline. Affected: yes.
Comment: Published functional studies suggest a damaging effect as this variant was unable to rescue NDUFAF5 deficient cells using site directed mutagenesis (PMID: 23536703); In silico analysis supports that this missense variant has a deleterious effect on protein structure/function; This variant is associated with the following publications: (PMID: 19542079, 38283147, 18940309, 33726816, 21680271, 27597947, 30473481, 23536703, 15372108)

Fulgent Genetics
Classification: Likely pathogenic for Mitochondrial complex I deficiency, nuclear type 16. Last evaluated: 2024-04-16. Review status: criteria provided, single submitter. Criteria: ACMG Guidelines, 2015. Collection method: clinical testing. Allele origin: germline.

Labcorp Genetics (formerly Invitae), Labcorp
Classification: Likely pathogenic. Last evaluated: 2023-11-01. Review status: criteria provided, single submitter. Criteria: Invitae Variant Classification Sherloc (09022015). Collection method: clinical testing. Allele origin: germline.
Comment: This sequence change replaces leucine, which is neutral and non-polar, with proline, which is neutral and non-polar, at codon 229 of the NDUFAF5 protein (p.Leu229Pro). This variant is present in population databases (rs118203929, gnomAD 0.02%). This missense change has been observed in individual(s) with mitochondrial complex I deficiency (PMID: 18940309). It has also been observed to segregate with disease in related individuals. This variant is also known as c.719T>C, p.Leu229Pro in literature. ClinVar contains an entry for this variant (Variation ID: 570). Advanced modeling of protein sequence and biophysical properties (such as structural, functional, and spatial information, amino acid conservation, physicochemical variation, residue mobility, and thermodynamic stability) performed at Invitae indicates that this missense variant is expected to disrupt NDUFAF5 protein function with a positive predictive value of 80%. Experimental studies have shown that this missense change affects NDUFAF5 function (PMID: 18940309, 23536703). In summary, the currently available evidence indicates that the variant is pathogenic, but additional data are needed to prove that conclusively. Therefore, this variant has been classified as Likely Pathogenic.

Baylor Genetics
Classification: Likely pathogenic for Mitochondrial complex I deficiency, nuclear type 16. Last evaluated: 2023-06-20. Review status: criteria provided, single submitter. Criteria: ACMG Guidelines, 2015. Collection method: clinical testing. Allele origin: unknown.

Suma Genomics
Classification: Likely pathogenic for Mitochondrial complex I deficiency, nuclear type 16. Review status: criteria provided, single submitter. Criteria: ACMG Guidelines, 2015. Collection method: clinical testing. Allele origin: inherited. Inheritance: Autosomal recessive inheritance. Affected: yes.

OMIM
Classification: Pathogenic for MITOCHONDRIAL COMPLEX I DEFICIENCY, NUCLEAR TYPE 16. Last evaluated: 2008-10-01. Review status: no assertion criteria provided. Collection method: literature only. Allele origin: germline. Not counted in ClinVar's aggregate classification.

Literature cited by the submitters: PubMed 18940309 (cited by 4 submitters); PubMed 23536703 (cited by Labcorp Genetics (formerly Invitae), Labcorp).

NM_024120.5(NDUFAF5):c.686T>C (p.Leu229Pro)

Gene: NDUFAF5 (NADH:ubiquinone oxidoreductase complex assembly factor 5; plus strand). Cytogenetic location: 20p12.1.
Variant type: single nucleotide variant.
Coding change: c.686T>C on transcript NM_024120.5 (MANE Select); coding-DNA position 686, T replaced by C.
Protein change: p.Leu229Pro; replaces leucine 229 with proline.
Molecular consequence: missense variant. On other transcripts: non-coding transcript variant (7).
Genome position (GRCh38, 1-based): chr20:13,801,652, T>C. VCF-style: chr20-13801652-T-C. GRCh37 (hg19) VCF-style: chr20-13782298-T-C.
Other names: c.602T>C, p.Leu201Pro (NM_001039375.3); c.215T>C, p.Leu72Pro (NM_001352403.2); c.125T>C, p.Leu42Pro (NM_001352406.2, NM_001352407.2); c.686T>C, p.Leu229Pro (NM_001352408.2); c.686T>C (NM_024120.4); short protein forms L229P, L42P, L201P, L72P.
Identifiers: ClinVar variation 570 (VCV000000570.19), dbSNP rs118203929, ClinGen allele CA114355.